The following is an entry in ClinVar:

ClinVar aggregate classification (germline): Uncertain significance (1 of 4 stars; one submission).

Conditions:
Tatton-Brown-Rahman overgrowth syndrome. Also called: Tatton-Brown-Rahman syndrome; Tall stature-intellectual disability-facial dysmorphism syndrome. Identifiers: Orphanet 404443, MedGen C4014545, MONDO:0014382, OMIM 615879.

Allele frequency attached by ClinVar (database versions not stated): ExAC 0.00002; gnomAD exomes 0.00003.
gnomAD v4.1: 38 of 1,614,134 alleles (0.0024%); highest among the groups gnomAD compares: South Asian, 0.0088%; no homozygotes.

Submission:

Labcorp Genetics (formerly Invitae), Labcorp
Classification: Uncertain significance for Tatton-Brown-Rahman overgrowth syndrome. Last evaluated: 2023-12-28. Review status: criteria provided, single submitter. Criteria: Invitae Variant Classification Sherloc (09022015). Collection method: clinical testing. Allele origin: germline.
Comment: This sequence change falls in intron 14 of the DNMT3A gene. It does not directly change the encoded amino acid sequence of the DNMT3A protein. It affects a nucleotide within the consensus splice site. This variant is present in population databases (rs769054584, gnomAD 0.01%). This variant has not been reported in the literature in individuals affected with DNMT3A-related conditions. Variants that disrupt the consensus splice site are a relatively common cause of aberrant splicing (PMID: 17576681, 9536098). Algorithms developed to predict the effect of sequence changes on RNA splicing suggest that this variant is not likely to affect RNA splicing. In summary, the available evidence is currently insufficient to determine the role of this variant in disease. Therefore, it has been classified as a Variant of Uncertain Significance.

Literature cited by the submitters: PubMed 17576681; PubMed 9536098.

NM_022552.5(DNMT3A):c.1667+3G>A

Gene: DNMT3A (DNA methyltransferase 3 alpha; minus strand). Cytogenetic location: 2p23.3.
Variant type: single nucleotide variant.
Coding change: c.1667+3G>A on transcript NM_022552.5 (MANE Select); 3 bases into the intron after coding-DNA position 1667, G replaced by A.
Molecular consequence: intron variant.
Genome position (GRCh38, 1-based): chr2:25,244,537, C>T on the plus strand (G>A on the coding strand, the complement: DNMT3A is on the minus strand). VCF-style: chr2-25244537-C-T. GRCh37 (hg19) VCF-style: chr2-25467406-C-T.
Other names: c.1100+3G>A (NM_153759.3); c.1211+3G>A (NM_001320893.1); c.998+3G>A (NM_001375819.1); c.1667+3G>A (NM_175629.2).
Identifiers: ClinVar variation 2753068 (VCV002753068.3), dbSNP rs769054584, ClinGen allele CA1555914.